The following is an entry in ClinVar:

NM_001111.5(ADAR):c.979G>A (p.Ala327Thr)

Gene: ADAR (adenosine deaminase RNA specific; minus strand). Cytogenetic location: 1q21.3.
Variant type: single nucleotide variant.
Coding change: c.979G>A on transcript NM_001111.5 (MANE Select); coding-DNA position 979, G replaced by A.
Protein change: p.Ala327Thr; replaces alanine 327 with threonine.
Molecular consequence: missense variant.
Genome position (GRCh38, 1-based): chr1:154,601,663, C>T on the plus strand (G>A on the coding strand, the complement: ADAR is on the minus strand). VCF-style: chr1-154601663-C-T. GRCh37 (hg19) VCF-style: chr1-154574139-C-T.
Other names: c.94G>A, p.Ala32Thr (NM_001025107.3, NM_001193495.2, NM_001365046.1 and 3 more transcripts); c.1006G>A, p.Ala336Thr (NM_001365045.1); c.979G>A, p.Ala327Thr (NM_015840.4, NM_015841.4); short protein forms A336T, A32T, A327T.
Identifiers: ClinVar variation 4999850 (VCV004999850.1).
Genomic context (GRCh38, chr1:154,601,663, plus strand): 5'-CTTGTCTATAGACATCCCCCTGCCTTTCCATGTCAATTAGCACAGCATTTATATCTCGGG[C>T]CTTGGTAAGGCCAATATTTTTAGCCAAATTCAGGGCAGAGGAGTCAGACACATTGAAGAG-3'
Protein context (NP_001102.3, residues 317-337): NLAKNIGLTK[Ala327Thr]RDINAVLIDM

ClinVar aggregate classification (germline): Uncertain significance (1 of 4 stars; one submission).

Conditions:
ADAR-related disorder. Also called: ADAR-related disorders; ADAR-related condition.

Submission:

PreventionGenetics, part of Exact Sciences
Classification: Uncertain significance for ADAR-related condition. Last evaluated: 2025-02-07. Review status: criteria provided, single submitter. Criteria: ACMG Guidelines, 2015. Collection method: clinical testing. Allele origin: germline.
Comment: The ADAR c.979G>A variant is predicted to result in the amino acid substitution p.Ala327Thr. To our knowledge, this variant has not been reported in the literature or in a large population database (gnomAD), indicating this variant is rare. At this time, the clinical significance of this variant is uncertain due to the absence of conclusive functional and genetic evidence.